The following is an entry in ClinVar:

NM_182760.4(SUMF1):c.880A>G (p.Ile294Val)

Gene: SUMF1 (sulfatase modifying factor 1; minus strand). Cytogenetic location: 3p26.1.
Variant type: single nucleotide variant.
Coding change: c.880A>G on transcript NM_182760.4 (MANE Select); coding-DNA position 880, A replaced by G.
Protein change: p.Ile294Val; replaces isoleucine 294 with valine.
Molecular consequence: missense variant.
Genome position (GRCh38, 1-based): chr3:4,410,939, T>C on the plus strand (A>G on the coding strand, the complement: SUMF1 is on the minus strand). VCF-style: chr3-4410939-T-C. GRCh37 (hg19) VCF-style: chr3-4452623-T-C.
Other names: c.805A>G, p.Ile269Val (NM_001164674.2); c.880A>G, p.Ile294Val (NM_001164675.2); short protein forms I294V, I269V.
Identifiers: ClinVar variation 2164262 (VCV002164262.1), dbSNP rs746450535, ClinGen allele CA2230410.

ClinVar aggregate classification (germline): Uncertain significance (1 of 4 stars; one submission).

Conditions:
Multiple sulfatase deficiency (MSD). Also called: Multiple Sulfatase Deficiency Disease; Sulfatidosis, Juvenile, Austin Type; Mucosulfatidosis. Identifiers: Orphanet 585, MedGen C0268263, MONDO:0010088, OMIM 272200.

Allele frequency attached by ClinVar (database versions not stated): gnomAD 0.00001; ExAC 0.00002; TOPMed 0.00002.
gnomAD v4.1: 63 of 1,613,964 alleles (0.0039%); highest among the groups gnomAD compares: East Asian, 0.0067%; no homozygotes.

Submission:

Labcorp Genetics (formerly Invitae), Labcorp
Classification: Uncertain significance for Multiple sulfatase deficiency. Last evaluated: 2022-07-12. Review status: criteria provided, single submitter. Criteria: Invitae Variant Classification Sherloc (09022015). Collection method: clinical testing. Allele origin: germline.
Comment: This sequence change replaces isoleucine, which is neutral and non-polar, with valine, which is neutral and non-polar, at codon 294 of the SUMF1 protein (p.Ile294Val). This variant is present in population databases (rs746450535, gnomAD 0.006%). This variant has not been reported in the literature in individuals affected with SUMF1-related conditions. Algorithms developed to predict the effect of missense changes on protein structure and function output the following: SIFT: "Tolerated"; PolyPhen-2: "Benign"; Align-GVGD: "Class C0". The valine amino acid residue is found in multiple mammalian species, which suggests that this missense change does not adversely affect protein function. In summary, the available evidence is currently insufficient to determine the role of this variant in disease. Therefore, it has been classified as a Variant of Uncertain Significance.